The following is an entry in ClinVar:

NM_198569.3(ADGRG6):c.-14G>A

Gene: ADGRG6 (adhesion G protein-coupled receptor G6; plus strand). Cytogenetic location: 6q24.2.
Variant type: single nucleotide variant.
Coding change: c.-14G>A on transcript NM_198569.3 (MANE Select); 14 bases upstream of the start codon, G replaced by A.
Molecular consequence: 5 prime UTR variant.
Genome position (GRCh38, 1-based): chr6:142,302,316, G>A. VCF-style: chr6-142302316-G-A. GRCh37 (hg19) VCF-style: chr6-142623453-G-A.
Other names: c.-14G>A (NM_001032394.3, NM_001032395.3, NM_020455.6).
Identifiers: ClinVar variation 4535989 (VCV004535989.1).

ClinVar aggregate classification (germline): Uncertain significance (1 of 4 stars; one submission).

gnomAD v4.1: 33 of 1,612,800 alleles (0.002%); highest among the groups gnomAD compares: African/African-American, 0.041%; no homozygotes.

Submission:

Women's Health and Genetics/Laboratory Corporation of America, LabCorp
Classification: Uncertain significance. Last evaluated: 2025-09-24. Review status: criteria provided, single submitter. Criteria: LabCorp Variant Classification Summary - May 2015. Collection method: clinical testing. Allele origin: germline.
Comment: Variant summary: ADGRG6 c.-14G>A is located in the untranslated mRNA region upstream of the initiation codon. The variant allele was found at a frequency of 4.4e-05 in 247196 control chromosomes. This frequency is not significantly higher than estimated for disease-causing variants in ADGRG6, allowing no conclusion about variant significance. To our knowledge, no occurrence of c.-14G>A in individuals affected with ADGRG6-related conditions and no experimental evidence demonstrating its impact on protein function have been reported. No submitters have cited clinical-significance assessments for this variant to ClinVar. Based on the evidence outlined above, the variant was classified as uncertain significance.